The following is an entry in ClinVar:

NM_198253.3(TERT):c.1336C>G (p.Arg446Gly)

Gene: TERT (telomerase reverse transcriptase; minus strand). Cytogenetic location: 5p15.33.
Variant type: single nucleotide variant.
Coding change: c.1336C>G on transcript NM_198253.3 (MANE Select); coding-DNA position 1336, C replaced by G.
Protein change: p.Arg446Gly; replaces arginine 446 with glycine.
Molecular consequence: missense variant. On other transcripts: non-coding transcript variant (2).
Genome position (GRCh38, 1-based): chr5:1,293,550, G>C on the plus strand (C>G on the coding strand, the complement: TERT is on the minus strand). VCF-style: chr5-1293550-G-C. GRCh37 (hg19) VCF-style: chr5-1293665-G-C.
Other names: c.1336C>G, p.Arg446Gly (NM_001193376.3); short protein forms R446G.
Identifiers: ClinVar variation 862443 (VCV000862443.10), dbSNP rs567650961, ClinGen allele CA359086121.

ClinVar aggregate classification (germline): Uncertain significance (1 of 4 stars; one submission).

Conditions:
Idiopathic Pulmonary Fibrosis. Also called: Idiopathic fibrosing alveolitis, chronic form; idiopathic fibrosing alveolitis. Identifiers: Orphanet 2032, MedGen C1800706, MeSH D054990, MONDO:0800504.
Dyskeratosis congenita, autosomal dominant 2. Identifiers: MedGen C3151443, MONDO:0013521, OMIM 613989.

Allele frequency attached by ClinVar (database versions not stated): TOPMed 0.00001.

Submission:

Labcorp Genetics (formerly Invitae), Labcorp
Classification: Uncertain significance for Dyskeratosis congenita, autosomal dominant 2; Idiopathic Pulmonary Fibrosis. Last evaluated: 2023-02-28. Review status: criteria provided, single submitter. Criteria: Invitae Variant Classification Sherloc (09022015). Collection method: clinical testing. Allele origin: germline.
Comment: This variant has not been reported in the literature in individuals affected with TERT-related conditions. This variant is not present in population databases (gnomAD no frequency). This sequence change replaces arginine, which is basic and polar, with glycine, which is neutral and non-polar, at codon 446 of the TERT protein (p.Arg446Gly). ClinVar contains an entry for this variant (Variation ID: 862443). In summary, the available evidence is currently insufficient to determine the role of this variant in disease. Therefore, it has been classified as a Variant of Uncertain Significance. Advanced modeling of protein sequence and biophysical properties (such as structural, functional, and spatial information, amino acid conservation, physicochemical variation, residue mobility, and thermodynamic stability) performed at Invitae indicates that this missense variant is not expected to disrupt TERT protein function.